The following is an entry in ClinVar:

NM_001368397.1(FRMPD4):c.2860C>T (p.Pro954Ser)

Gene: FRMPD4 (FERM and PDZ domain containing 4; plus strand). Cytogenetic location: Xp22.2.
Variant type: single nucleotide variant.
Coding change: c.2860C>T on transcript NM_001368397.1 (MANE Select); coding-DNA position 2860, C replaced by T.
Protein change: p.Pro954Ser; replaces proline 954 with serine.
Molecular consequence: missense variant.
Genome position (GRCh38, 1-based): chrX:12,717,686, C>T. VCF-style: chrX-12717686-C-T. GRCh37 (hg19) VCF-style: chrX-12735805-C-T.
Other names: c.2971C>T, p.Pro991Ser (NM_001368395.3, NM_001368398.3); c.2866C>T, p.Pro956Ser (NM_001368396.3); c.2851C>T, p.Pro951Ser (NM_001368399.3); c.2740C>T, p.Pro914Ser (NM_001368400.3); c.2836C>T, p.Pro946Ser (NM_001368401.1, NM_001368402.3); c.2860C>T, p.Pro954Ser (NM_014728.3); short protein forms P914S, P946S, P951S, P954S, P956S, P991S.
Identifiers: ClinVar variation 4887277 (VCV004887277.1).
Genomic context (GRCh38, chrX:12,717,686, plus strand): 5'-CGCATGTTCTTGGCCACTCACGAAGGCTACCACCCCCTTGCAGAAGAGCAGACCGAGTTC[C>T]CGGCCTCCAAGACCCCCGCTGGGGGCTTGCCTCCAAAGTCCTCGCACGCCCTGGCTGCTA-3'
Protein context (NP_001355326.1, residues 944-964): HPLAEEQTEF[Pro954Ser]ASKTPAGGLP

ClinVar aggregate classification (germline): Uncertain significance (1 of 4 stars; one submission).

gnomAD v4.1: 3 of 1,209,831 alleles (0.00025%); highest among the groups gnomAD compares: Non-Finnish European, 0.00034%; no homozygotes.

Submission:

Women's Health and Genetics/Laboratory Corporation of America, LabCorp
Classification: Uncertain significance. Last evaluated: 2026-06-12. Review status: criteria provided, single submitter. Criteria: LabCorp Variant Classification Summary - May 2015. Collection method: clinical testing. Allele origin: germline.
Comment: Variant summary: FRMPD4 c.2860C>T (p.Pro954Ser) results in a non-conservative amino acid change in the encoded protein sequence. Algorithms developed to predict the effect of missense changes on protein structure and function are either unavailable or do not agree on the potential impact of this missense change. The variant was absent in 183262 control chromosomes. The available data on variant occurrences in the general population are insufficient to allow any conclusion about variant significance. To our knowledge, no occurrence of c.2860C>T in individuals affected with FRMPD4-related conditions and no experimental evidence demonstrating its impact on protein function have been reported. No submitters have cited clinical-significance assessments for this variant to ClinVar. Based on the evidence outlined above, the variant was classified as uncertain significance.